The following is an entry in ClinVar:

NM_000089.4(COL1A2):c.957_974dup (p.Ala320_Gly325dup)

Gene: COL1A2 (collagen type I alpha 2 chain; plus strand). Cytogenetic location: 7q21.3.
Variant type: Duplication.
Coding change: c.957_974dup on transcript NM_000089.4 (MANE Select); coding-DNA positions 957 to 974, 18 bases duplicated (GGCTCCCGGCCTCCCTGG).
Protein change: p.Ala320_Gly325dup.
Molecular consequence: inframe insertion.
Genome position (GRCh38, 1-based): chr7:94,409,743-94,409,760, GGCTCCCGGCCTCCCTGG duplicated; duplicating any 18 consecutive bases within chr7:94,409,739-94,409,760 gives the same sequence; the c. name uses the placement nearest the transcript's 3' end. VCF-style (leftmost placement, unchanged base first): chr7-94409738-G-GCTGGGGCTCCCGGCCTCC. GRCh37 (hg19) VCF-style: chr7-94039050-G-GCTGGGGCTCCCGGCCTCC.
Identifiers: ClinVar variation 870112 (VCV000870112.2), dbSNP rs1791878922, ClinGen allele CA1139659913.

ClinVar aggregate classification (germline): Pathogenic (1 of 4 stars; one submission).

Conditions:
Osteogenesis imperfecta (OI). Identifiers: Orphanet 666, MedGen C0029434, MeSH D010013, MONDO:0019019.

Submission:

Genetics Department, Polish Mother's Memorial Hospital Research Institute
Classification: Pathogenic for Osteogenesis imperfecta. Last evaluated: 2020-04-06. Review status: criteria provided, single submitter. Criteria: ACMG Guidelines, 2015. Collection method: research. Allele origin: de novo. Affected: yes. Observed: 1 variant allele.